The following is an entry in ClinVar:

NM_001034853.2(RPGR):c.2432GAGGGGAAGTAGAGG[1] (p.811GGEVE[1])

Gene: RPGR (retinitis pigmentosa GTPase regulator; minus strand). Cytogenetic location: Xp11.4.
Variant type: Microsatellite.
Coding change: c.2432GAGGGGAAGTAGAGG[1] on transcript NM_001034853.2 (MANE Select); one copy of the 15-base unit GAGGGGAAGTAGAGG starting at c.2432; the reference has two copies in a row; one copy, 15 bases deleted; also written c.2447_2461del.
Protein change: p.811GGEVE[1].
Molecular consequence: inframe deletion. On other transcripts: intron variant (8).
Genome position (GRCh38, 1-based): chrX:38,286,538-38,286,552, CCTCTACTTCCCCTC deleted on the plus strand (GAGGGGAAGTAGAGG on the coding strand, the reverse complement: RPGR is on the minus strand); deleting any 15 consecutive bases within chrX:38,286,538-38,286,571 gives the same sequence; the position shown is the placement nearest the transcript's 3' end. VCF-style (leftmost placement, unchanged base first): chrX-38286537-TCCTCTACTTCCCCTC-T. GRCh37 (hg19) VCF-style: chrX-38145790-TCCTCTACTTCCCCTC-T.
Other names: c.2447_2461del (NM_001034853.2); c.1569+4407_1569+4421del (NM_001367249.1, NM_001367250.1); c.1902+542_1902+556del (NM_001367245.1); c.1386+4407_1386+4421del (NM_001367251.1); c.1719+542_1719+556del (NM_001367246.1); c.1572+4407_1572+4421del (NM_001367247.1); c.1905+542_1905+556del (NM_000328.3); c.1602+4407_1602+4421del (NM_001367248.1); and 1 more.
Identifiers: ClinVar variation 414015 (VCV000414015.50), dbSNP rs777850798, ClinGen allele CA10385282.
Genomic context (GRCh38, chrX:38,286,537, plus strand): 5'-TCCCCTTCCTCCTCTTCCCCCTCACCCTCCTCCTCTTCCTCTTCCCTCTCTCCTTTCCCC[TCCTCTACTTCCCCTC>T]CCTCTACTTCCCCTCCCTCCTCTTTTTCCTCCCCTCTCCCCTCTGTTTCCTCCTCTTCCC-3'

ClinVar aggregate classification (germline): Likely benign. Review status: criteria provided, multiple submitters, no conflicts (2 of 4 stars). 5 submissions from 5 submitters: Likely benign (4). 1 of the submissions does not count toward it. Last evaluated 2026-01-29.

Conditions:
Primary ciliary dyskinesia. Also called: Ciliary dyskinesia. Identifiers: Orphanet 244, MedGen C0008780, MONDO:0016575, HP:0012265.
X-linked cone-rod dystrophy 1 (CORDX1). Identifiers: Orphanet 1872, MedGen C1844776, MONDO:0010566, OMIM 304020.

Submissions (5):

Labcorp Genetics (formerly Invitae), Labcorp
Classification: Likely benign for Primary ciliary dyskinesia. Last evaluated: 2026-01-29. Review status: criteria provided, single submitter. Criteria: Invitae Variant Classification Sherloc (09022015). Collection method: clinical testing. Allele origin: germline.

Blueprint Genetics
Classification: Likely benign. Last evaluated: 2024-11-28. Review status: criteria provided, single submitter. Criteria: ACMG Guidelines, 2015. Collection method: clinical testing. Allele origin: germline.

CeGaT Center for Human Genetics Tuebingen
Classification: Likely benign. Last evaluated: 2023-08-01. Review status: criteria provided, single submitter. Criteria: CeGaT Center For Human Genetics Tuebingen Variant Classification Criteria Version 2. Collection method: clinical testing. Allele origin: germline. Affected: yes. Observed: 1 variant allele.
Comment: RPGR: BS2

PreventionGenetics, part of Exact Sciences
Classification: Likely benign. Last evaluated: 2019-07-30. Review status: criteria provided, single submitter. Criteria: ACMG Guidelines, 2015. Collection method: clinical testing. Allele origin: germline.

OMIM
Classification: Pathogenic for CONE DYSTROPHY, X-LINKED, 1. Last evaluated: 2002-03-01. Review status: no assertion criteria provided. Collection method: literature only. Allele origin: germline. Not counted in ClinVar's aggregate classification.

Literature cited by the submitters: PubMed 11875055 (cited by OMIM).